The following is an entry in ClinVar:

ClinVar aggregate classification (germline): Uncertain significance (1 of 4 stars; one submission).

Submission:

Labcorp Genetics (formerly Invitae), Labcorp
Classification: Uncertain significance. Last evaluated: 2022-03-19. Review status: criteria provided, single submitter. Criteria: Invitae Variant Classification Sherloc (09022015). Collection method: clinical testing. Allele origin: germline.
Comment: This variant is not present in population databases (gnomAD no frequency). This sequence change replaces arginine, which is basic and polar, with proline, which is neutral and non-polar, at codon 94 of the RTTN protein (p.Arg94Pro). This variant has not been reported in the literature in individuals affected with RTTN-related conditions. Algorithms developed to predict the effect of missense changes on protein structure and function are either unavailable or do not agree on the potential impact of this missense change (SIFT: "Deleterious"; PolyPhen-2: "Probably Damaging"; Align-GVGD: "Class C0"). In summary, the available evidence is currently insufficient to determine the role of this variant in disease. Therefore, it has been classified as a Variant of Uncertain Significance.

NM_173630.4(RTTN):c.281G>C (p.Arg94Pro)

Gene: RTTN (rotatin; minus strand). Cytogenetic location: 18q22.2.
Variant type: single nucleotide variant.
Coding change: c.281G>C on transcript NM_173630.4 (MANE Select); coding-DNA position 281, G replaced by C.
Protein change: p.Arg94Pro; replaces arginine 94 with proline.
Molecular consequence: missense variant. On other transcripts: 5 prime UTR variant (1).
Genome position (GRCh38, 1-based): chr18:70,204,202, C>G on the plus strand (G>C on the coding strand, the complement: RTTN is on the minus strand). VCF-style: chr18-70204202-C-G. GRCh37 (hg19) VCF-style: chr18-67871438-C-G.
Other names: c.-2273G>C (NM_001318520.2); short protein forms R94P.
Identifiers: ClinVar variation 2114454 (VCV002114454.4), dbSNP rs374694156, ClinGen allele CA402700972.